The following is an entry in ClinVar:

NM_058246.4(DNAJB6):c.292_300del (p.Asp98_Phe100del)

Gene: DNAJB6 (DnaJ heat shock protein family (Hsp40) member B6; plus strand). Cytogenetic location: 7q36.3.
Variant type: Deletion.
Coding change: c.292_300del on transcript NM_058246.4 (MANE Select); coding-DNA positions 292 to 300, 9 bases deleted (GATGTCTTC; older notation c.292_300delGATGTCTTC).
Protein change: p.Asp98_Phe100del.
Molecular consequence: inframe deletion.
Genome position (GRCh38, 1-based): chr7:157,367,429-157,367,437, GATGTCTTC deleted. VCF-style (leftmost placement, unchanged base first): chr7-157367428-TGATGTCTTC-T. GRCh37 (hg19) VCF-style: chr7-157160122-TGATGTCTTC-T.
Other names: c.292_300del, p.Asp98_Phe100del (NM_001363676.1, NM_005494.3).
Identifiers: ClinVar variation 1474492 (VCV001474492.8), dbSNP rs2116995583, ClinGen allele CA2573141881.

ClinVar aggregate classification (germline): Uncertain significance (1 of 4 stars; one submission).

Conditions:
Autosomal dominant limb-girdle muscular dystrophy type 1D (DNAJB6) (LGMDD1). Also called: MUSCULAR DYSTROPHY, LIMB-GIRDLE, TYPE 1D; Autosomal dominant limb-girdle muscular dystrophy type 1D; Muscular dystrophy, limb-girdle, autosomal dominant 1; MUSCULAR DYSTROPHY, AUTOSOMAL DOMINANT, WITH RIMMED VACUOLES. Identifiers: Orphanet 34516, MedGen C4721885, MONDO:0021018, OMIM 603511.

Submission:

Labcorp Genetics (formerly Invitae), Labcorp
Classification: Uncertain significance for Autosomal dominant limb-girdle muscular dystrophy type 1D (DNAJB6). Last evaluated: 2021-04-05. Review status: criteria provided, single submitter. Criteria: Invitae Variant Classification Sherloc (09022015). Collection method: clinical testing. Allele origin: germline.
Comment: This variant, c.292_300del, results in the deletion of 3 amino acid(s) of the DNAJB6 protein (p.Asp98_Phe100del), but otherwise preserves the integrity of the reading frame. This variant is not present in population databases (ExAC no frequency). In summary, the available evidence is currently insufficient to determine the role of this variant in disease. Therefore, it has been classified as a Variant of Uncertain Significance. Experimental studies and prediction algorithms are not available or were not evaluated, and the functional significance of this variant is currently unknown. This variant has not been reported in the literature in individuals with DNAJB6-related conditions.